The following is an entry in ClinVar:

ClinVar aggregate classification (germline): Likely pathogenic (1 of 4 stars; one submission).

Conditions:
Mucopolysaccharidosis, MPS-II (MPS2). Also called: Hunter Syndrome; IDURONATE 2-SULFATASE DEFICIENCY; Mucopolysaccharidosis Type II; Mucopolysaccharidosis type 2; Attenuated MPS (subtype; formerly known as mild MPS II); Severe MPS II. Identifiers: Orphanet 580, Orphanet 79388, MedGen C0026705, MONDO:0010674, OMIM 309900.

Submission:

Laboratory of Diagnosis and Therapy of Lysosomal Disorders, University of Padova
Classification: Likely pathogenic for Mucopolysaccharidosis, MPS-II. Last evaluated: 2024-06-07. Review status: criteria provided, single submitter. Criteria: ACMG Guidelines, 2015. Collection method: literature only. Allele origin: germline. Affected: yes. Observed: 4 variant alleles.
Comment: Absent from controls (or at low frequency) in gnomAD database (PM2_Moderate), Missense variant in a gene with a low rate of benign missense variation (PP2_Supporting), Multiple lines of computational evidence support a deleterious effect (PP3_Supporting), Patient’s phenotype or family history highly specific for the disease (PP4_Strong)

Classification method: ACMG Guidelines [PMID:25741868] with modifications

Literature cited by the submitters: PubMed 8281149; PubMed 32448126; PubMed 8111411; PubMed 7887413.

NM_000202.8(IDS):c.281G>A (p.Gly94Asp)

Gene: IDS (iduronate 2-sulfatase; minus strand). Cytogenetic location: Xq28.
Variant type: single nucleotide variant.
Coding change: c.281G>A on transcript NM_000202.8 (MANE Select); coding-DNA position 281, G replaced by A.
Protein change: p.Gly94Asp; replaces glycine 94 with aspartic acid.
Molecular consequence: missense variant. On other transcripts: non-coding transcript variant (1), intron variant (1).
Genome position (GRCh38, 1-based): chrX:149,503,449, C>T on the plus strand (G>A on the coding strand, the complement: IDS is on the minus strand). VCF-style: chrX-149503449-C-T. GRCh37 (hg19) VCF-style: chrX-148584979-C-T.
Other names: c.281G>A, p.Gly94Asp (NM_006123.5); c.15-4G>A (NM_001166550.4); short protein forms G94D.
Identifiers: ClinVar variation 3255648 (VCV003255648.2).